The following is an entry in ClinVar:

NM_001008537.3(NEXMIF):c.3065_3067del (p.Ile1022del)

Gene: NEXMIF (neurite extension and migration factor; minus strand). Cytogenetic location: Xq13.3.
Variant type: Deletion.
Coding change: c.3065_3067del on transcript NM_001008537.3 (MANE Select); coding-DNA positions 3065 to 3067, 3 bases deleted (TCA; older notation c.3065_3067delTCA).
Protein change: p.Ile1022del; deletes isoleucine 1022.
Genome position (GRCh38, 1-based): chrX:74,741,490-74,741,492, TGA deleted on the plus strand (TCA on the coding strand, the reverse complement: NEXMIF is on the minus strand); deleting any 3 consecutive bases within chrX:74,741,490-74,741,493 gives the same sequence; the c. name uses the placement nearest the transcript's 3' end. VCF-style (leftmost placement, unchanged base first): chrX-74741489-GTGA-G. GRCh37 (hg19) VCF-style: chrX-73961324-GTGA-G.
Other names: p.Ile1022del; short protein forms I1022del.
Identifiers: ClinVar variation 4756103 (VCV004756103.1).

ClinVar aggregate classification (germline): Uncertain significance (1 of 4 stars; one submission).

Conditions:
X-linked intellectual disability, Cantagrel type (XLID98). Also called: INTELLECTUAL DEVELOPMENTAL DISORDER, X-LINKED 98. Identifiers: Orphanet 85277, MedGen C3806730, MONDO:0010483, OMIM 300912.

Submission:

Foundation for Research in Genetics and Endocrinology, FRIGE's Institute of Human Genetics
Classification: Uncertain significance for X-linked intellectual disability, Cantagrel type. Last evaluated: 2026-02-05. Review status: criteria provided, single submitter. Criteria: ACMG Guidelines, 2015. Collection method: clinical testing. Allele origin: germline. Inheritance: X-linked inheritance. Affected: yes. Observed: 1 hemizygote.
Comment: A hemizygous 3 base pair deletion in exon 3 of the NEXMIF gene (chrX:g.74741491_74741493del; Depth: 72x) that results in an in-frame deletion of amino acids for Isoleucine at codon 1022 (p.Ile1022del; ENST00000055682.12) was detected. The p.Ile1022del variant has not been reported in the 1000 genomes, gnomAD (v3.1), gnomAD (v2.1) and topmed databases. The reference region is conserved across mammals.